The following is an entry in ClinVar:

ClinVar aggregate classification (germline): Uncertain significance (1 of 4 stars; one submission).

Submission:

GeneDx
Classification: Uncertain significance. Last evaluated: 2025-05-09. Review status: criteria provided, single submitter. Criteria: GeneDx Variant Classification Process June 2021. Collection method: clinical testing. Allele origin: germline. Affected: yes.
Comment: Not observed at significant frequency in large population cohorts (gnomAD); In silico analysis suggests that this missense variant does not alter protein structure/function; In silico analysis is inconclusive as to whether the variant alters gene splicing. In the absence of RNA/functional studies, the actual effect of this sequence change is unknown.; Has not been previously published as pathogenic or benign to our knowledge

NM_001829.4(CLCN3):c.2367-2102A>G

Gene: CLCN3 (chloride voltage-gated channel 3; plus strand). Cytogenetic location: 4q33.
Variant type: single nucleotide variant.
Coding change: c.2367-2102A>G on transcript NM_001829.4 (MANE Select); 2102 bases into the intron before coding-DNA position 2367, A replaced by G.
Molecular consequence: intron variant. On other transcripts: missense variant (1).
Genome position (GRCh38, 1-based): chr4:169,717,805, A>G. VCF-style: chr4-169717805-A-G. GRCh37 (hg19) VCF-style: chr4-170638956-A-G.
Other names: c.2380A>G, p.Ile794Val (NM_173872.4); c.2286-2102A>G (NM_001243372.2, NM_001243374.2); short protein forms I794V.
Identifiers: ClinVar variation 4527916 (VCV004527916.1).